The following is an entry in ClinVar:

ClinVar aggregate classification (germline): Uncertain significance (1 of 4 stars; one submission).

Allele frequency attached by ClinVar (database versions not stated): gnomAD 0.00001.
gnomAD v4.1: 2 of 1,611,686 alleles (0.00012%); highest among the groups gnomAD compares: African/African-American, 0.0027%; no homozygotes.

Submission:

Labcorp Genetics (formerly Invitae), Labcorp
Classification: Uncertain significance. Last evaluated: 2021-09-01. Review status: criteria provided, single submitter. Criteria: Invitae Variant Classification Sherloc (09022015). Collection method: clinical testing. Allele origin: germline.
Comment: This sequence change falls in intron 26 of the ADGRV1 gene. It does not directly change the encoded amino acid sequence of the ADGRV1 protein. This variant is not present in population databases (ExAC no frequency). This variant has not been reported in the literature in individuals affected with ADGRV1-related conditions. Algorithms developed to predict the effect of sequence changes on RNA splicing suggest that this variant may disrupt the consensus splice site. In summary, the available evidence is currently insufficient to determine the role of this variant in disease. Therefore, it has been classified as a Variant of Uncertain Significance.

NM_032119.4(ADGRV1):c.5525-5T>A

Gene: ADGRV1 (adhesion G protein-coupled receptor V1; plus strand). Cytogenetic location: 5q14.3.
Variant type: single nucleotide variant.
Coding change: c.5525-5T>A on transcript NM_032119.4 (MANE Select); 5 bases into the intron before coding-DNA position 5525, T replaced by A.
Molecular consequence: intron variant.
Genome position (GRCh38, 1-based): chr5:90,681,310, T>A. VCF-style: chr5-90681310-T-A. GRCh37 (hg19) VCF-style: chr5-89977127-T-A.
Identifiers: ClinVar variation 1003948 (VCV001003948.6), dbSNP rs1744902264, ClinGen allele CA1078654425.